The following is an entry in ClinVar:

ClinVar aggregate classification (germline): Uncertain significance (1 of 4 stars; one submission).

Allele frequency attached by ClinVar (database versions not stated): gnomAD exomes 0.00001.
gnomAD v4.1: 3 of 1,613,260 alleles (0.00019%); highest among the groups gnomAD compares: Admixed American, 0.0033%; no homozygotes.

Submission:

Labcorp Genetics (formerly Invitae), Labcorp
Classification: Uncertain significance. Last evaluated: 2024-11-05. Review status: criteria provided, single submitter. Criteria: Invitae Variant Classification Sherloc (09022015). Collection method: clinical testing. Allele origin: germline.
Comment: This sequence change replaces glycine, which is neutral and non-polar, with glutamic acid, which is acidic and polar, at codon 1064 of the COL18A1 protein (p.Gly1064Glu). This variant is present in population databases (no rsID available, gnomAD 0.006%). This variant has not been reported in the literature in individuals affected with COL18A1-related conditions. ClinVar contains an entry for this variant (Variation ID: 1437800). Experimental studies and prediction algorithms are not available or were not evaluated, and the functional significance of this variant is currently unknown. In summary, the available evidence is currently insufficient to determine the role of this variant in disease. Therefore, it has been classified as a Variant of Uncertain Significance.

NM_001379500.1(COL18A1):c.3200G>A (p.Gly1067Glu)

Genes: COL18A1 (collagen type XVIII alpha 1 chain; plus strand), SLC19A1 (solute carrier family 19 member 1; minus strand). Cytogenetic location: 21q22.3.
Variant type: single nucleotide variant.
Coding change: c.3200G>A on transcript NM_001379500.1 (MANE Select); coding-DNA position 3200, G replaced by A.
Protein change: p.Gly1067Glu; replaces glycine 1067 with glutamic acid.
Molecular consequence: missense variant.
Genome position (GRCh38, 1-based): chr21:45,505,950, G>A. VCF-style: chr21-45505950-G-A. GRCh37 (hg19) VCF-style: chr21-46925864-G-A.
Other names: c.3731G>A, p.Gly1244Glu (NM_030582.4); c.4436G>A, p.Gly1479Glu (NM_130444.3); short protein forms G1479E, G1067E, G1244E.
Identifiers: ClinVar variation 1437800 (VCV001437800.4), dbSNP rs1403396185, ClinGen allele CA410500109.